The following is an entry in ClinVar:

ClinVar aggregate classification (germline): Uncertain significance (1 of 4 stars; one submission).

Conditions:
Spastic paraplegia. Identifiers: MedGen C0037772, HP:0001258.

Submission:

Labcorp Genetics (formerly Invitae), Labcorp
Classification: Uncertain significance for Spastic paraplegia. Last evaluated: 2023-08-16. Review status: criteria provided, single submitter. Criteria: Invitae Variant Classification Sherloc (09022015). Collection method: clinical testing. Allele origin: germline.
Comment: In summary, the available evidence is currently insufficient to determine the role of this variant in disease. Therefore, it has been classified as a Variant of Uncertain Significance. Advanced modeling of protein sequence and biophysical properties (such as structural, functional, and spatial information, amino acid conservation, physicochemical variation, residue mobility, and thermodynamic stability) performed at Invitae indicates that this missense variant is not expected to disrupt L1CAM protein function. This variant has not been reported in the literature in individuals affected with L1CAM-related conditions. This variant is not present in population databases (gnomAD no frequency). This sequence change replaces glycine, which is neutral and non-polar, with serine, which is neutral and polar, at codon 1106 of the L1CAM protein (p.Gly1106Ser).

NM_001278116.2(L1CAM):c.3316G>A (p.Gly1106Ser)

Gene: L1CAM (L1 cell adhesion molecule; minus strand). Cytogenetic location: Xq28.
Variant type: single nucleotide variant.
Coding change: c.3316G>A on transcript NM_001278116.2 (MANE Select); coding-DNA position 3316, G replaced by A.
Protein change: p.Gly1106Ser; replaces glycine 1106 with serine.
Molecular consequence: missense variant.
Genome position (GRCh38, 1-based): chrX:153,864,328, C>T on the plus strand (G>A on the coding strand, the complement: L1CAM is on the minus strand). VCF-style: chrX-153864328-C-T. GRCh37 (hg19) VCF-style: chrX-153129783-C-T.
Other names: c.3316G>A, p.Gly1106Ser (NM_000425.5, NM_024003.3); c.3301G>A, p.Gly1101Ser (NM_001143963.2); short protein forms G1101S, G1106S.
Identifiers: ClinVar variation 2984089 (VCV002984089.3), dbSNP rs1665793346, ClinGen allele CA415110392.